The following is an entry in ClinVar:

ClinVar aggregate classification (germline): Uncertain significance. Review status: criteria provided, multiple submitters, no conflicts (2 of 4 stars). 4 submissions from 4 submitters: Uncertain significance (4). Last evaluated 2025-01-26.

Conditions:
Inborn genetic diseases. Identifiers: MedGen C0950123, MeSH D030342.
Autosomal recessive nonsyndromic hearing loss 8 (DFNB8). Also called: Deafness, autosomal recessive 10; NEUROSENSORY NONSYNDROMIC RECESSIVE DEAFNESS 8. Identifiers: Orphanet 90636, MedGen C1832827, MONDO:0010987, OMIM 601072.

Allele frequency attached by ClinVar (database versions not stated): gnomAD exomes 0.00002; gnomAD 0.00006 and 0.00007; ESP Exome Variant Server 0.00015; ExAC 0.00002; TOPMed 0.00006.
gnomAD v4.1: 41 of 1,613,584 alleles (0.0025%); highest among the groups gnomAD compares: East Asian, 0.016%; no homozygotes.

Submissions (4):

GeneDx
Classification: Uncertain significance. Last evaluated: 2025-01-26. Review status: criteria provided, single submitter. Criteria: GeneDx Variant Classification Process June 2021. Collection method: clinical testing. Allele origin: germline. Affected: yes.
Comment: In silico analysis indicates that this missense variant does not alter protein structure/function; Has not been previously published as pathogenic or benign to our knowledge

Fulgent Genetics
Classification: Uncertain significance for Autosomal recessive nonsyndromic hearing loss 8. Last evaluated: 2021-11-18. Review status: criteria provided, single submitter. Criteria: ACMG Guidelines, 2015. Collection method: clinical testing. Allele origin: unknown.

Ambry Genetics
Classification: Uncertain significance for Inborn genetic diseases. Last evaluated: 2021-09-27. Review status: criteria provided, single submitter. Criteria: Ambry Variant Classification Scheme 2023. Collection method: clinical testing. Allele origin: germline.

Laboratory for Molecular Medicine, Mass General Brigham Personalized Medicine
Classification: Uncertain significance. Last evaluated: 2015-07-30. Review status: criteria provided, single submitter. Criteria: LMM Criteria. Collection method: clinical testing. Allele origin: germline. Observed: 2 variant alleles.
Comment: The p.Thr391Met variant in TMPRSS3 has not been previously reported in individua ls with hearing loss, but has been identified in 2/65994 European chromosomes by the Exome Aggregation Consortium (ExAC; dbSNP r s145766262). Although this variant has been seen in the general population, its frequency is not high enough to rule out a pathogenic role. Computational predic tion tools and conservation analysis do not provide strong support for or agains t an impact to the protein. In summary, the clinical significance of the p.Thr39 1Met variant is uncertain.

NM_001256317.3(TMPRSS3):c.1169C>T (p.Thr390Met)

Gene: TMPRSS3 (transmembrane serine protease 3; minus strand). Cytogenetic location: 21q22.3.
Variant type: single nucleotide variant.
Coding change: c.1169C>T on transcript NM_001256317.3 (MANE Select); coding-DNA position 1169, C replaced by T.
Protein change: p.Thr390Met; replaces threonine 390 with methionine.
Molecular consequence: missense variant.
Genome position (GRCh38, 1-based): chr21:42,376,563, G>A on the plus strand (C>T on the coding strand, the complement: TMPRSS3 is on the minus strand). VCF-style: chr21-42376563-G-A. GRCh37 (hg19) VCF-style: chr21-43796672-G-A.
Other names: c.1172C>T, p.Thr391Met (NM_024022.4); c.791C>T, p.Thr264Met (NM_032404.3); short protein forms T391M, T264M, T390M.
Identifiers: ClinVar variation 229324 (VCV000229324.9), dbSNP rs145766262, ClinGen allele CA10042317.
Genomic context (GRCh38, chr21:42,376,563, plus strand): 5'-ACCCTGCCACGGCCTCGCCCACCGCTGCGGCCCCGTACCTGGCAGCTGTCCACGCCACCC[G>A]TCAGGTAGCCCGCGCAGAGCATGGAGGGGGAGATGATGCCACCGTACACGTCCCTGTGGT-3'
Protein context (NP_001243246.1, residues 380-400): SPSMLCAGYL[Thr390Met]GGVDSCQGDS